The following is an entry in ClinVar:

ClinVar aggregate classification (germline): Uncertain significance. Review status: criteria provided, multiple submitters, no conflicts (2 of 4 stars). 3 submissions from 3 submitters: Uncertain significance (3). Last evaluated 2025-08-22.

Conditions:
Inborn genetic diseases. Identifiers: MedGen C0950123, MeSH D030342.
CRB1-related disorder. Also called: CRB1-related condition; CRB1-related disorders.

gnomAD v4.1: 42 of 1,613,764 alleles (0.0026%); highest among the groups gnomAD compares: Non-Finnish European, 0.0032%; no homozygotes.

Submissions (3):

PreventionGenetics, part of Exact Sciences
Classification: Uncertain significance for CRB1-related condition. Last evaluated: 2025-08-22. Review status: criteria provided, single submitter. Criteria: ACMG Guidelines, 2015. Collection method: clinical testing. Allele origin: germline.
Comment: The CRB1 c.4147C>T variant is predicted to result in the amino acid substitution p.Arg1383Cys. To our knowledge, this variant has not been reported in the literature. This variant is reported in 0.0054% of alleles in individuals of East Asian descent in gnomAD. At this time, the clinical significance of this variant is uncertain due to the absence of conclusive functional and genetic evidence.

Ambry Genetics
Classification: Uncertain significance for Inborn genetic diseases. Last evaluated: 2025-04-08. Review status: criteria provided, single submitter. Criteria: Ambry Variant Classification Scheme 2023. Collection method: clinical testing. Allele origin: germline.

Blueprint Genetics
Classification: Uncertain significance. Last evaluated: 2023-11-09. Review status: criteria provided, single submitter. Criteria: ACMG Guidelines, 2015. Collection method: clinical testing. Allele origin: germline.

NM_201253.3(CRB1):c.4147C>T (p.Arg1383Cys)

Gene: CRB1 (crumbs cell polarity complex component 1; plus strand). Cytogenetic location: 1q31.3.
Variant type: single nucleotide variant.
Coding change: c.4147C>T on transcript NM_201253.3 (MANE Select); coding-DNA position 4147, C replaced by T.
Protein change: p.Arg1383Cys; replaces arginine 1383 with cysteine.
Molecular consequence: missense variant. On other transcripts: non-coding transcript variant (2).
Genome position (GRCh38, 1-based): chr1:197,477,805, C>T. VCF-style: chr1-197477805-C-T. GRCh37 (hg19) VCF-style: chr1-197446935-C-T.
Other names: c.4075C>T, p.Arg1359Cys (NM_001257965.2); c.2539C>T, p.Arg847Cys (NM_001257966.2); c.3811C>T, p.Arg1271Cys (NM_001193640.2); short protein forms R1271C, R1383C, R847C, R1359C.
Identifiers: ClinVar variation 4006677 (VCV004006677.3).